The following is an entry in ClinVar:

NM_001374828.1(ARID1B):c.2100G>A (p.Leu700=)

Gene: ARID1B (AT-rich interaction domain 1B; plus strand). Cytogenetic location: 6q25.3.
Variant type: single nucleotide variant.
Coding change: c.2100G>A on transcript NM_001374828.1 (MANE Select); coding-DNA position 2100, G replaced by A.
Protein change: p.Leu700=; no amino-acid change (leucine 700 retained).
Molecular consequence: synonymous variant.
Genome position (GRCh38, 1-based): chr6:156,901,489, G>A. VCF-style: chr6-156901489-G-A. GRCh37 (hg19) VCF-style: chr6-157222623-G-A.
Other names: c.1851G>A, p.Leu617= (NM_001346813.1); c.2139G>A, p.Leu713= (NM_001371656.1, NM_001374820.1); c.2100G>A, p.Leu700= (NM_017519.3); c.1890G>A, p.Leu630= (NM_020732.3); c.1677G>A, p.Leu559= (NM_175863.2).
Identifiers: ClinVar variation 2914653 (VCV002914653.16), dbSNP rs1263061912, ClinGen allele CA452935912.

ClinVar aggregate classification (germline): Likely benign. Review status: criteria provided, multiple submitters, no conflicts (2 of 4 stars). 2 submissions from 2 submitters: Likely benign (2). Last evaluated 2025-02-01.

Allele frequency attached by ClinVar (database versions not stated): gnomAD exomes below 0.00001; gnomAD 0.00001.
gnomAD v4.1: 4 of 1,613,772 alleles (0.00025%); highest among the groups gnomAD compares: East Asian, 0.0022%; no homozygotes.

Submissions (2):

CeGaT Center for Human Genetics Tuebingen
Classification: Likely benign. Last evaluated: 2025-02-01. Review status: criteria provided, single submitter. Criteria: CeGaT Center For Human Genetics Tuebingen Variant Classification Criteria Version 2. Collection method: clinical testing. Allele origin: germline. Affected: yes. Observed: 1 variant allele.
Comment: ARID1B: BP4, BP7

Labcorp Genetics (formerly Invitae), Labcorp
Classification: Likely benign. Last evaluated: 2024-02-24. Review status: criteria provided, single submitter. Criteria: Invitae Variant Classification Sherloc (09022015). Collection method: clinical testing. Allele origin: germline.